The following is an entry in ClinVar:

NM_001009944.3(PKD1):c.1660C>T (p.Gln554Ter)

Gene: PKD1 (polycystin 1, transient receptor potential channel interacting; minus strand). Cytogenetic location: 16p13.3.
Variant type: single nucleotide variant.
Coding change: c.1660C>T on transcript NM_001009944.3 (MANE Select); coding-DNA position 1660, C replaced by T.
Protein change: p.Gln554Ter; replaces glutamine 554 with a stop codon.
Molecular consequence: nonsense.
Genome position (GRCh38, 1-based): chr16:2,116,591, G>A on the plus strand (C>T on the coding strand, the complement: PKD1 is on the minus strand). VCF-style: chr16-2116591-G-A. GRCh37 (hg19) VCF-style: chr16-2166592-G-A.
Other names: p.Gln554*; c.1660C>T, p.Gln554Ter (NM_000296.4); short protein forms Q554*.
Identifiers: ClinVar variation 1805239 (VCV001805239.6), dbSNP rs2544869877, ClinGen allele CA394391485.

ClinVar aggregate classification (germline): Pathogenic/Likely pathogenic. Review status: criteria provided, multiple submitters, no conflicts (2 of 4 stars). 5 submissions from 5 submitters: Pathogenic (4); Likely pathogenic (1). Last evaluated 2026-02-05.

Conditions:
Polycystic kidney disease, adult type (PKD1). Also called: POLYCYSTIC KIDNEY DISEASE 1 WITH OR WITHOUT POLYCYSTIC LIVER DISEASE; Polycystic Kidney, Autosomal Dominant; POLYCYSTIC KIDNEY DISEASE, ADULT, TYPE I; Polycystic Kidney Disease 1, Autosomal Dominant; Polycystic kidney disease 1; Polycystic kidney disease 1, severe. Identifiers: MedGen C3149841, MONDO:0008263, OMIM 173900.

Submissions (5):

GeneDx
Classification: Pathogenic. Last evaluated: 2026-02-05. Review status: criteria provided, single submitter. Criteria: GeneDx Variant Classification Process June 2021. Collection method: clinical testing. Allele origin: germline.
Comment: Not observed at significant frequency in large population cohorts (gnomAD); Nonsense variant predicted to result in protein truncation or nonsense mediated decay in a gene for which loss of function is a known mechanism of disease; This variant is associated with the following publications: (PMID: 30816285, 31730820)

Mayo Clinic Laboratories, Mayo Clinic
Classification: Likely pathogenic. Last evaluated: 2025-08-26. Review status: criteria provided, single submitter. Criteria: ACMG Guidelines, 2015. Collection method: clinical testing. Allele origin: germline. Observed: 1 variant allele.
Comment: PM2_supporting, PVS1

Women's Health and Genetics/Laboratory Corporation of America, LabCorp
Classification: Pathogenic for Polycystic kidney disease, adult type. Last evaluated: 2025-06-27. Review status: criteria provided, single submitter. Criteria: LabCorp Variant Classification Summary - May 2015. Collection method: clinical testing. Allele origin: germline.
Comment: Variant summary: PKD1 c.1660C>T (p.Gln554X) results in a premature termination codon, predicted to cause a truncation of the encoded protein or absence of the protein due to nonsense mediated decay, which are commonly known mechanisms for disease. The frequency data for this variant in gnomAD is considered unreliable, as metrics indicate poor data quality at this position. c.1660C>T has been observed in individual(s) affected with Polycystic Kidney Disease 1 (Pandita_2019). To our knowledge, no experimental evidence demonstrating an impact on protein function has been reported. The following publication have been ascertained in the context of this evaluation (PMID: 30816285). ClinVar contains an entry for this variant (Variation ID: 1805239). Based on the evidence outlined above, the variant was classified as pathogenic.

Victorian Clinical Genetics Services, Murdoch Childrens Research Institute
Classification: Pathogenic for Polycystic kidney disease, adult type. Last evaluated: 2023-07-16. Review status: criteria provided, single submitter. Criteria: ACMG Guidelines, 2015. Collection method: clinical testing. Allele origin: germline. Inheritance: Autosomal dominant inheritance. Affected: yes.
Comment: Based on the classification scheme VCGS_Germline_v1.3.4, this variant is classified as Pathogenic. Following criteria are met: 0102 - Loss of function is a known mechanism of disease in this gene and is associated with polycystic kidney disease 1 (MIM#173900). (I) 0107 - This gene is associated with autosomal dominant disease. Polycystic kidney disease 1 (MIM#173900) is predominantly caused by monoallelic variants, with rare reports of biallelic variants causing disease (OMIM). (I) 0201 - Variant is predicted to cause nonsense-mediated decay (NMD) and loss of protein (premature termination codon is located at least 54 nucleotides upstream of the final exon-exon junction). (SP) 0251 - This variant is heterozygous. (I) 0301 - Variant is absent from gnomAD (both v2 and v3). (SP) 0701 - Other NMD predicted variants comparable to the one identified in this case have very strong previous evidence for pathogenicity (ClinVar). (SP) 0803 - This variant has limited previous evidence of pathogenicity in unrelated individuals. This variant has been reported in two families with ADPKD or cilia-related kidney disorder (PMID: 30816285, 31730820). (SP) Legend: (SP) - Supporting pathogenic, (I) - Information, (SB) - Supporting benign

Juno Genomics, Hangzhou Juno Genomics, Inc
Classification: Pathogenic for Polycystic kidney disease, adult type. Review status: criteria provided, single submitter. Criteria: ACMG Guidelines, 2015. Collection method: clinical testing. Allele origin: germline. Affected: yes.
Comment: Absent from controls (or at extremely low frequency if recessive) in Genome Aggregation Database.;Null variant in a gene where loss of function (LOF) is a known mechanism of disease.;The prevalence of the variant in affected individuals is significantly increased compared to the prevalence in controls.;Patient's phenotype or family history is highly specific for a disease with a single genetic etiology.

Literature cited by the submitters: PubMed 30816285 (cited by 3 submitters); PubMed 31730820 (cited by Mayo Clinic Laboratories, Mayo Clinic and Victorian Clinical Genetics Services, Murdoch Childrens Research Institute).